The following is an entry in ClinVar:

ClinVar aggregate classification (germline): Likely benign. Review status: criteria provided, multiple submitters, no conflicts (2 of 4 stars). 2 submissions from 2 submitters: Likely benign (2). Last evaluated 2024-10-17.

Conditions:
PHIP-related disorder. Also called: PHIP-related disorders; PHIP-related condition.

gnomAD v4.1: 22 of 1,613,874 alleles (0.0014%); highest among the groups gnomAD compares: East Asian, 0.016%; no homozygotes.

Submissions (2):

PreventionGenetics, part of Exact Sciences
Classification: Likely benign for PHIP-related condition. Last evaluated: 2024-10-17. Review status: criteria provided, single submitter. Criteria: ACMG Guidelines, 2015. Collection method: clinical testing. Allele origin: germline.
Comment: This variant is classified as likely benign based on ACMG/AMP sequence variant interpretation guidelines (Richards et al. 2015 PMID: 25741868, with internal and published modifications).

Labcorp Genetics (formerly Invitae), Labcorp
Classification: Likely benign. Last evaluated: 2024-06-26. Review status: criteria provided, single submitter. Criteria: Invitae Variant Classification Sherloc (09022015). Collection method: clinical testing. Allele origin: germline.

NM_017934.7(PHIP):c.5279A>G (p.Lys1760Arg)

Genes: IRAK1BP1 (interleukin 1 receptor associated kinase 1 binding protein 1; plus strand), PHIP (PHIP subunit of CUL4-Ring ligase complex; minus strand). Cytogenetic location: 6q14.1.
Variant type: single nucleotide variant.
Coding change: c.5279A>G on transcript NM_017934.7 (MANE Select); coding-DNA position 5279, A replaced by G.
Protein change: p.Lys1760Arg; replaces lysine 1760 with arginine.
Molecular consequence: missense variant.
Genome position (GRCh38, 1-based): chr6:78,940,880, T>C on the plus strand (A>G on the coding strand, the complement: PHIP is on the minus strand). VCF-style: chr6-78940880-T-C. GRCh37 (hg19) VCF-style: chr6-79650597-T-C.
Other names: c.5279A>G (NM_017934.6); short protein forms K1760R.
Identifiers: ClinVar variation 3711795 (VCV003711795.3).